The following is an entry in ClinVar:

ClinVar aggregate classification (germline): Uncertain significance (1 of 4 stars; one submission).

Conditions:
Emery-Dreifuss muscular dystrophy 5, autosomal dominant (EDMD5). Also called: EMERY-DREIFUSS MUSCULAR DYSTROPHY 5. Identifiers: Orphanet 261, MedGen C2751805, MONDO:0013072, OMIM 612999.

Submission:

Labcorp Genetics (formerly Invitae), Labcorp
Classification: Uncertain significance for Emery-Dreifuss muscular dystrophy 5, autosomal dominant. Last evaluated: 2022-08-08. Review status: criteria provided, single submitter. Criteria: Invitae Variant Classification Sherloc (09022015). Collection method: clinical testing. Allele origin: germline.
Comment: This sequence change replaces histidine, which is basic and polar, with leucine, which is neutral and non-polar, at codon 416 of the SYNE2 protein (p.His416Leu). This variant is not present in population databases (gnomAD no frequency). This variant has not been reported in the literature in individuals affected with SYNE2-related conditions. Algorithms developed to predict the effect of missense changes on protein structure and function (SIFT, PolyPhen-2, Align-GVGD) all suggest that this variant is likely to be tolerated. In summary, the available evidence is currently insufficient to determine the role of this variant in disease. Therefore, it has been classified as a Variant of Uncertain Significance.

NM_182914.3(SYNE2):c.1247A>T (p.His416Leu)

Gene: SYNE2 (spectrin repeat containing nuclear envelope protein 2; plus strand). Cytogenetic location: 14q23.2.
Variant type: single nucleotide variant.
Coding change: c.1247A>T on transcript NM_182914.3 (MANE Select); coding-DNA position 1247, A replaced by T.
Protein change: p.His416Leu; replaces histidine 416 with leucine.
Molecular consequence: missense variant.
Genome position (GRCh38, 1-based): chr14:63,976,681, A>T. VCF-style: chr14-63976681-A-T. GRCh37 (hg19) VCF-style: chr14-64443399-A-T.
Other names: c.1247A>T, p.His416Leu (NM_015180.6); short protein forms H416L.
Identifiers: ClinVar variation 1715758 (VCV001715758.5), dbSNP rs1595989919, ClinGen allele CA389955416.